The following is an entry in ClinVar:

ClinVar aggregate classification (germline): Likely pathogenic. Review status: criteria provided, multiple submitters, no conflicts (2 of 4 stars). 2 submissions from 2 submitters: Likely pathogenic (2). Last evaluated 2024-09-10.

Conditions:
Carnitine palmitoyltransferase II deficiency. Also called: Carnitine Palmitoyltransferase 2 Deficiency. Identifiers: Orphanet 157, MedGen C0342790, MONDO:0015515.
Encephalopathy, acute, infection-induced, susceptibility to, 4. Identifiers: Orphanet 263524, MedGen C3280160, MONDO:0013633, OMIM 614212.

Submissions (2):

Natera, Inc.
Classification: Likely pathogenic for Carnitine palmitoyltransferase II deficiency. Last evaluated: 2024-09-10. Review status: criteria provided, single submitter. Criteria: Natera Variant Classification Schema (03/2026). Collection method: clinical testing. Allele origin: germline.
Comment: The c.29G>A variant in CPT2 is a nonsense variant predicted to introduce a stop codon at amino acid 10. This variant is expected to result in nonsense mediated decay, truncation, or a dysfunctional protein product. This variant is rare in the general population with a frequency below the threshold expected for the associated phenotype(s). Given the available evidence, this variant is classified as Likely Pathogenic.

Baylor Genetics
Classification: Likely pathogenic for Encephalopathy, acute, infection-induced, susceptibility to, 4. Last evaluated: 2024-02-04. Review status: criteria provided, single submitter. Criteria: ACMG Guidelines, 2015. Collection method: clinical testing. Allele origin: unknown.

NM_000098.3(CPT2):c.29G>A (p.Trp10Ter)

Genes: CPT2 (carnitine palmitoyltransferase 2; plus strand), LOC129930561 (ATAC-STARR-seq lymphoblastoid silent region 902; plus strand). Cytogenetic location: 1p32.3.
Variant type: single nucleotide variant.
Coding change: c.29G>A on transcript NM_000098.3 (MANE Select); coding-DNA position 29, G replaced by A.
Protein change: p.Trp10Ter; replaces tryptophan 10 with a stop codon.
Molecular consequence: nonsense.
Genome position (GRCh38, 1-based): chr1:53,196,972, G>A. VCF-style: chr1-53196972-G-A. GRCh37 (hg19) VCF-style: chr1-53662644-G-A.
Other names: c.29G>A (NM_000098.2); c.29G>A, p.Trp10Ter (NM_001330589.2); short protein forms W10*.
Identifiers: ClinVar variation 3241204 (VCV003241204.2), dbSNP rs2525557943.